The following is an entry in ClinVar:

ClinVar aggregate classification (germline): Uncertain significance (1 of 4 stars; one submission).

Conditions:
SEMA3E-related disorder. Also called: SEMA3E-related condition.

Submission:

PreventionGenetics, part of Exact Sciences
Classification: Uncertain significance for SEMA3E-related condition. Last evaluated: 2026-08-28. Review status: criteria provided, single submitter. Criteria: ACMG Guidelines, 2015. Collection method: clinical testing. Allele origin: germline.
Comment: The SEMA3E c.1017T>G variant is predicted to result in the amino acid substitution p.His339Gln. To our knowledge, this variant has not been reported in the literature or in a large population database (gnomAD), indicating this variant is rare. At this time, the clinical significance of this variant is uncertain due to the absence of conclusive functional and genetic evidence.

NM_012431.3(SEMA3E):c.1017T>G (p.His339Gln)

Gene: SEMA3E (semaphorin 3E; minus strand). Cytogenetic location: 7q21.11.
Variant type: single nucleotide variant.
Coding change: c.1017T>G on transcript NM_012431.3 (MANE Select); coding-DNA position 1017, T replaced by G.
Protein change: p.His339Gln; replaces histidine 339 with glutamine.
Molecular consequence: missense variant.
Genome position (GRCh38, 1-based): chr7:83,402,758, A>C on the plus strand (T>G on the coding strand, the complement: SEMA3E is on the minus strand). VCF-style: chr7-83402758-A-C. GRCh37 (hg19) VCF-style: chr7-83032074-A-C.
Other names: c.837T>G, p.His279Gln (NM_001178129.2); short protein forms H279Q, H339Q.
Identifiers: ClinVar variation 4987829 (VCV004987829.1).